The following is an entry in ClinVar:

NM_203446.3(SYNJ1):c.515G>A (p.Gly172Asp)

Gene: SYNJ1 (synaptojanin 1; minus strand). Cytogenetic location: 21q22.11.
Variant type: single nucleotide variant.
Coding change: c.515G>A on transcript NM_203446.3 (MANE Select); coding-DNA position 515, G replaced by A.
Protein change: p.Gly172Asp; replaces glycine 172 with aspartic acid.
Molecular consequence: missense variant.
Genome position (GRCh38, 1-based): chr21:32,695,247, C>T on the plus strand (G>A on the coding strand, the complement: SYNJ1 is on the minus strand). VCF-style: chr21-32695247-C-T. GRCh37 (hg19) VCF-style: chr21-34067557-C-T.
Other names: c.515G>A, p.Gly172Asp (NM_001160302.2, NM_001160306.2); c.632G>A, p.Gly211Asp (NM_003895.4); short protein forms G211D, G172D.
Identifiers: ClinVar variation 1973094 (VCV001973094.2), dbSNP rs2516843624, ClinGen allele CA410098813.

ClinVar aggregate classification (germline): Uncertain significance (1 of 4 stars; one submission).

Conditions:
Developmental and epileptic encephalopathy, 53. Also called: Epileptic encephalopathy, early infantile, 53. Identifiers: MedGen C4479313, MONDO:0033362, OMIM 617389.
Early-onset Parkinson disease 20. Also called: PARKINSON DISEASE 20, AUTOSOMAL RECESSIVE EARLY-ONSET. Identifiers: Orphanet 391411, MedGen C3809824, MONDO:0014233, OMIM 615530.

gnomAD v4.1: 1 of 1,613,888 alleles (0.000062%); highest among the groups gnomAD compares: Non-Finnish European, 0.000085%; no homozygotes.

Submission:

Labcorp Genetics (formerly Invitae), Labcorp
Classification: Uncertain significance for Developmental and epileptic encephalopathy, 53; Early-onset Parkinson disease 20. Last evaluated: 2022-07-19. Review status: criteria provided, single submitter. Criteria: Invitae Variant Classification Sherloc (09022015). Collection method: clinical testing. Allele origin: germline.
Comment: This sequence change replaces glycine, which is neutral and non-polar, with aspartic acid, which is acidic and polar, at codon 211 of the SYNJ1 protein (p.Gly211Asp). This variant is not present in population databases (gnomAD no frequency). This variant has not been reported in the literature in individuals affected with SYNJ1-related conditions. Algorithms developed to predict the effect of missense changes on protein structure and function (SIFT, PolyPhen-2, Align-GVGD) all suggest that this variant is likely to be tolerated. In summary, the available evidence is currently insufficient to determine the role of this variant in disease. Therefore, it has been classified as a Variant of Uncertain Significance.